The following is an entry in ClinVar:

ClinVar aggregate classification (germline): Likely benign (1 of 4 stars; one submission).

Submission:

CeGaT Center for Human Genetics Tuebingen
Classification: Likely benign. Last evaluated: 2022-08-01. Review status: criteria provided, single submitter. Criteria: CeGaT Center For Human Genetics Tuebingen Variant Classification Criteria Version 2. Collection method: clinical testing. Allele origin: germline. Affected: yes. Observed: 1 variant allele.
Comment: IL6R: PM2:Supporting, BP4, BP7

NM_000565.4(IL6R):c.1089A>G (p.Pro363=)

Gene: IL6R (interleukin 6 receptor; plus strand). Cytogenetic location: 1q21.3.
Variant type: single nucleotide variant.
Coding change: c.1089A>G on transcript NM_000565.4 (MANE Select); coding-DNA position 1089, A replaced by G.
Protein change: p.Pro363=; no amino-acid change (proline 363 retained).
Molecular consequence: synonymous variant. On other transcripts: intron variant (2).
Genome position (GRCh38, 1-based): chr1:154,454,510, A>G. VCF-style: chr1-154454510-A-G. GRCh37 (hg19) VCF-style: chr1-154426986-A-G.
Other names: c.1188A>G, p.Pro396= (NM_001382769.1); c.1182A>G, p.Pro394= (NM_001382770.1); c.1137A>G, p.Pro379= (NM_001382771.1); c.1083A>G, p.Pro361= (NM_001382772.1); c.729A>G, p.Pro243= (NM_001382774.1); c.1114+4530A>G (NM_001382773.1); c.1066+4530A>G (NM_181359.3).
Identifiers: ClinVar variation 2639370 (VCV002639370.24), dbSNP rs2525651729, ClinGen allele CA420975580.
Genomic context (GRCh38, chr1:154,454,510, plus strand): 5'-CTCTTCCTCCTCTATCTTCAATTTTTTTTTTAACCTAGTGCAAGATTCTTCTTCAGTACC[A>G]CTGCCCACATTCCTGGTTGCTGGAGGGAGCCTGGCCTTCGGAACGCTCCTCTGCATTGCC-3'
Protein context (NP_000556.1, residues 353-373): SLPVQDSSSV[Pro363=]LPTFLVAGGS